The following is an entry in ClinVar:

NM_001291303.3(FAT4):c.7018+1G>A

Gene: FAT4 (FAT atypical cadherin 4; plus strand). Cytogenetic location: 4q28.1.
Variant type: single nucleotide variant.
Coding change: c.7018+1G>A on transcript NM_001291303.3 (MANE Select); the canonical splice donor site of the intron after coding-DNA position 7018, G replaced by A.
Molecular consequence: splice donor variant.
Genome position (GRCh38, 1-based): chr4:125,416,623, G>A. VCF-style: chr4-125416623-G-A. GRCh37 (hg19) VCF-style: chr4-126337778-G-A.
Other names: c.7018+1G>A (NM_001291285.3, NM_024582.6).
Identifiers: ClinVar variation 997989 (VCV000997989.2), dbSNP rs2126029076, ClinGen allele CA358131888.

ClinVar aggregate classification (germline): Pathogenic (1 of 4 stars; one submission).

Conditions:
Van Maldergem syndrome 2 (VMLDS2). Identifiers: Orphanet 314679, MedGen C3809875, MONDO:0014242, OMIM 615546.

Submission:

Department of Medical Genetics and Molecular Biology, School of Medicine, Iran University of Medical Sciences
Classification: Pathogenic for Van Maldergem syndrome 2. Last evaluated: 2021-03-01. Review status: criteria provided, single submitter. Criteria: ACMG Guidelines, 2015. Collection method: clinical testing. Allele origin: inherited, germline. Inheritance: Autosomal recessive inheritance. Affected: yes and no. Observed: 4 variant alleles, 2 heterozygotes, 2 homozygotes. Clinical features observed: Tracheomalacia (HP:0002779), Downturned corners of mouth (HP:0002714), Microtia (HP:0008551), Conductive hearing impairment (HP:0000405), Renal corticomedullary cysts (HP:0000108), Camptodactyly (HP:0012385), Clubfoot (HP:0001762), Micrognathia (HP:0000347), Macrocephaly (HP:0000256), Patent foramen ovale (HP:0001655).
Comment: Homozygote or compound heterozygote pathogenic variants of FAT4 have been reported in Van Maldergem syndrome or Hennekam lymphangiectasia-lymphedema syndrome.